The following is an entry in ClinVar:

ClinVar aggregate classification (germline): Benign/Likely benign. Review status: criteria provided, multiple submitters, no conflicts (2 of 4 stars). 3 submissions from 3 submitters: Benign (1); Likely benign (2). Last evaluated 2026-01-16.

Conditions:
POLD1-related polyposis and colorectal cancer syndrome (CRCS10). Also called: Colorectal cancer, susceptibility to, 10; Colorectal cancer 10; COLORECTAL CANCER, SUSCEPTIBILITY TO, ON CHROMOSOME 19q. Identifiers: Orphanet 220460, MedGen C2675481, MONDO:0012953, OMIM 612591.
Hereditary cancer-predisposing syndrome. Also called: Hereditary neoplastic syndrome; Neoplastic Syndromes, Hereditary; Tumor predisposition; Hereditary Cancer Syndrome. Identifiers: Orphanet 140162, MedGen C0027672, MeSH D009386, MONDO:0015356.

gnomAD v4.1: 1 of 1,560,994 alleles (0.000064%); highest among the groups gnomAD compares: Non-Finnish European, 0.000087%; no homozygotes.

Submissions (3):

Labcorp Genetics (formerly Invitae), Labcorp
Classification: Likely benign for POLD1-related polyposis and colorectal cancer syndrome. Last evaluated: 2026-01-16. Review status: criteria provided, single submitter. Criteria: Invitae Variant Classification Sherloc (09022015). Collection method: clinical testing. Allele origin: germline.

Myriad Genetics, Inc.
Classification: Benign for POLD1-related polyposis and colorectal cancer syndrome. Last evaluated: 2025-02-05. Review status: criteria provided, single submitter. Criteria: Myriad Autosomal Dominant, Autosomal Recessive and X-Linked Classification Criteria (2023). Collection method: clinical testing. Allele origin: unknown.
Comment: This variant is considered benign. This variant is a silent/synonymous amino acid change and it is not expected to impact splicing.

Ambry Genetics
Classification: Likely benign for Hereditary cancer-predisposing syndrome. Last evaluated: 2021-02-07. Review status: criteria provided, single submitter. Criteria: Ambry Variant Classification Scheme 2023. Collection method: clinical testing. Allele origin: germline.

NM_002691.4(POLD1):c.1065C>T (p.Leu355=)

Gene: POLD1 (DNA polymerase delta 1, catalytic subunit; plus strand). Cytogenetic location: 19q13.33.
Variant type: single nucleotide variant.
Coding change: c.1065C>T on transcript NM_002691.4 (MANE Select); coding-DNA position 1065, C replaced by T.
Protein change: p.Leu355=; no amino-acid change (leucine 355 retained).
Molecular consequence: synonymous variant. On other transcripts: non-coding transcript variant (1).
Genome position (GRCh38, 1-based): chr19:50,403,147, C>T. VCF-style: chr19-50403147-C-T. GRCh37 (hg19) VCF-style: chr19-50906404-C-T.
Other names: c.1065C>T, p.Leu355= (NM_001256849.1, NM_001308632.1).
Identifiers: ClinVar variation 1146134 (VCV001146134.12), dbSNP rs1555790429, ClinGen allele CA508182676.